The following is an entry in ClinVar:

ClinVar aggregate classification (germline): Uncertain significance. Review status: criteria provided, multiple submitters, no conflicts (2 of 4 stars). 2 submissions from 2 submitters: Uncertain significance (2). Last evaluated 2021-07-13.

Allele frequency attached by ClinVar (database versions not stated): gnomAD exomes below 0.00001.
gnomAD v4.1: 1 of 1,606,902 alleles (0.000062%); highest among the groups gnomAD compares: Admixed American, 0.0017%; no homozygotes.

Submissions (2):

Labcorp Genetics (formerly Invitae), Labcorp
Classification: Uncertain significance. Last evaluated: 2021-07-13. Review status: criteria provided, single submitter. Criteria: Invitae Variant Classification Sherloc (09022015). Collection method: clinical testing. Allele origin: germline.
Comment: In summary, the available evidence is currently insufficient to determine the role of this variant in disease. Therefore, it has been classified as a Variant of Uncertain Significance. Algorithms developed to predict the effect of missense changes on protein structure and function (SIFT, PolyPhen-2, Align-GVGD) all suggest that this variant is likely to be tolerated. This variant has not been reported in the literature in individuals affected with PPA2-related conditions. This variant is not present in population databases (ExAC no frequency). This sequence change replaces serine with glycine at codon 158 of the PPA2 protein (p.Ser158Gly). The serine residue is moderately conserved and there is a small physicochemical difference between serine and glycine.

Breakthrough Genomics
Classification: Uncertain significance. Review status: criteria provided, single submitter. Criteria: ACMG Guidelines, 2015. Collection method: not provided. Allele origin: germline. Inheritance: Autosomal recessive inheritance. Affected: yes.

NM_176869.3(PPA2):c.472A>G (p.Ser158Gly)

Gene: PPA2 (inorganic pyrophosphatase 2; minus strand). Cytogenetic location: 4q24.
Variant type: single nucleotide variant.
Coding change: c.472A>G on transcript NM_176869.3 (MANE Select); coding-DNA position 472, A replaced by G.
Protein change: p.Ser158Gly; replaces serine 158 with glycine.
Molecular consequence: missense variant. On other transcripts: intron variant (3).
Genome position (GRCh38, 1-based): chr4:105,438,006, T>C on the plus strand (A>G on the coding strand, the complement: PPA2 is on the minus strand). VCF-style: chr4-105438006-T-C. GRCh37 (hg19) VCF-style: chr4-106359163-T-C.
Other names: c.157+35888A>G (NM_176867.3); c.223-13684A>G (NM_176866.2); c.441+8377A>G (NM_006903.4); short protein forms S158G.
Identifiers: ClinVar variation 1474898 (VCV001474898.9), dbSNP rs2110290015, ClinGen allele CA357799565.